The following is an entry in ClinVar:

NM_001082971.2(DDC):c.718G>T (p.Val240Phe)

Gene: DDC (dopa decarboxylase; minus strand). Cytogenetic location: 7p12.1.
Variant type: single nucleotide variant.
Coding change: c.718G>T on transcript NM_001082971.2 (MANE Select); coding-DNA position 718, G replaced by T.
Protein change: p.Val240Phe; replaces valine 240 with phenylalanine.
Molecular consequence: missense variant.
Genome position (GRCh38, 1-based): chr7:50,504,056, C>A on the plus strand (G>T on the coding strand, the complement: DDC is on the minus strand). VCF-style: chr7-50504056-C-A. GRCh37 (hg19) VCF-style: chr7-50571754-C-A.
Other names: c.718G>T, p.Val240Phe (NM_000790.4, NM_001242890.2); c.604G>T, p.Val202Phe (NM_001242886.2); c.574G>T, p.Val192Phe (NM_001242887.2); c.484G>T, p.Val162Phe (NM_001242888.2); c.439G>T, p.Val147Phe (NM_001242889.2); short protein forms V162F, V192F, V202F, V147F, V240F.
Identifiers: ClinVar variation 1508558 (VCV001508558.8), dbSNP rs2153540570, ClinGen allele CA367539112.

ClinVar aggregate classification (germline): Uncertain significance. Review status: criteria provided, multiple submitters, no conflicts (2 of 4 stars). 2 submissions from 2 submitters: Uncertain significance (2). Last evaluated 2024-10-15.

Conditions:
Deficiency of aromatic-L-amino-acid decarboxylase. Also called: AADC DEFICIENCY; DDC DEFICIENCY; DOPA DECARBOXYLASE DEFICIENCY; Aromatic L-Amino Acid Decarboxylase Deficiency; Aromatic amino acid decarboxylase deficiency. Identifiers: Orphanet 35708, MedGen C1291564, MONDO:0012084, OMIM 608643.

gnomAD v4.1: 2 of 1,612,688 alleles (0.00012%); highest among the groups gnomAD compares: Non-Finnish European, 0.00017%; no homozygotes.

Submissions (2):

Labcorp Genetics (formerly Invitae), Labcorp
Classification: Uncertain significance for Deficiency of aromatic-L-amino-acid decarboxylase. Last evaluated: 2024-10-15. Review status: criteria provided, single submitter. Criteria: Invitae Variant Classification Sherloc (09022015). Collection method: clinical testing. Allele origin: germline.
Comment: This sequence change replaces valine, which is neutral and non-polar, with phenylalanine, which is neutral and non-polar, at codon 240 of the DDC protein (p.Val240Phe). This variant is not present in population databases (gnomAD no frequency). This variant has not been reported in the literature in individuals affected with DDC-related conditions. ClinVar contains an entry for this variant (Variation ID: 1508558). Invitae Evidence Modeling of protein sequence and biophysical properties (such as structural, functional, and spatial information, amino acid conservation, physicochemical variation, residue mobility, and thermodynamic stability) indicates that this missense variant is not expected to disrupt DDC protein function with a negative predictive value of 80%. In summary, the available evidence is currently insufficient to determine the role of this variant in disease. Therefore, it has been classified as a Variant of Uncertain Significance.

Blueprint Genetics
Classification: Uncertain significance. Last evaluated: 2023-10-31. Review status: criteria provided, single submitter. Criteria: ACMG Guidelines, 2015. Collection method: clinical testing. Allele origin: germline.